The following is an entry in ClinVar:

ClinVar aggregate classification (germline): Uncertain significance (1 of 4 stars; one submission).

Conditions:
Intellectual developmental disorder, X-linked, syndromic, Billuart type. Also called: X-linked intellectual disability-cerebellar hypoplasia syndrome; MENTAL RETARDATION, X-LINKED 60. Identifiers: Orphanet 137831, MedGen C1845366, MONDO:0010337, OMIM 300486.

Allele frequency attached by ClinVar (database versions not stated): gnomAD exomes below 0.00001 and 0.00001.
gnomAD v4.1: 1 of 1,195,905 alleles (0.000084%); highest among the groups gnomAD compares: Admixed American, 0.0022%; no homozygotes.

Submission:

Baylor Genetics
Classification: Uncertain significance for Intellectual developmental disorder, X-linked, syndromic, Billuart type. Last evaluated: 2020-10-01. Review status: criteria provided, single submitter. Criteria: ACMG Guidelines, 2015. Collection method: clinical testing. Allele origin: unknown. Affected: yes.
Comment: This variant was determined to be of uncertain significance according to ACMG Guidelines, 2015 [PMID:25741868].

NM_002547.3(OPHN1):c.1201+3A>G

Gene: OPHN1 (oligophrenin 1; minus strand). Cytogenetic location: Xq12.
Variant type: single nucleotide variant.
Coding change: c.1201+3A>G on transcript NM_002547.3 (MANE Select); 3 bases into the intron after coding-DNA position 1201, A replaced by G.
Molecular consequence: intron variant.
Genome position (GRCh38, 1-based): chrX:68,193,887, T>C on the plus strand (A>G on the coding strand, the complement: OPHN1 is on the minus strand). VCF-style: chrX-68193887-T-C. GRCh37 (hg19) VCF-style: chrX-67413729-T-C.
Identifiers: ClinVar variation 1029460 (VCV001029460.1), dbSNP rs1482683297, ClinGen allele CA642397310.